The following is an entry in ClinVar:

ClinVar aggregate classification (germline): Uncertain significance. Review status: criteria provided, multiple submitters, no conflicts (2 of 4 stars). 2 submissions from 2 submitters: Uncertain significance (2). Last evaluated 2023-07-22.

Conditions:
Developmental and epileptic encephalopathy 94 (DEE94). Also called: Epileptic encephalopathy, childhood-onset; CHD2-Related Neurodevelopmental Disorders. Identifiers: Orphanet 1942, Orphanet 2382, MedGen C3809278, MONDO:0014150, OMIM 615369.

Allele frequency attached by ClinVar (database versions not stated): gnomAD exomes below 0.00001; TOPMed below 0.00001.
gnomAD v4.1: 6 of 1,614,030 alleles (0.00037%); highest among the groups gnomAD compares: Non-Finnish European, 0.00051%; no homozygotes.

Submissions (2):

Labcorp Genetics (formerly Invitae), Labcorp
Classification: Uncertain significance for Developmental and epileptic encephalopathy 94. Last evaluated: 2023-07-22. Review status: criteria provided, single submitter. Criteria: Invitae Variant Classification Sherloc (09022015). Collection method: clinical testing. Allele origin: germline.
Comment: This sequence change replaces proline, which is neutral and non-polar, with leucine, which is neutral and non-polar, at codon 1691 of the CHD2 protein (p.Pro1691Leu). This variant is not present in population databases (gnomAD no frequency). This variant has not been reported in the literature in individuals affected with CHD2-related conditions. ClinVar contains an entry for this variant (Variation ID: 1058064). Advanced modeling of protein sequence and biophysical properties (such as structural, functional, and spatial information, amino acid conservation, physicochemical variation, residue mobility, and thermodynamic stability) performed at Invitae indicates that this missense variant is not expected to disrupt CHD2 protein function. In summary, the available evidence is currently insufficient to determine the role of this variant in disease. Therefore, it has been classified as a Variant of Uncertain Significance.

GeneDx
Classification: Uncertain significance. Last evaluated: 2023-07-10. Review status: criteria provided, single submitter. Criteria: GeneDx Variant Classification Process June 2021. Collection method: clinical testing. Allele origin: germline. Affected: yes.
Comment: Not observed at significant frequency in large population cohorts (gnomAD); In silico analysis supports that this missense variant has a deleterious effect on protein structure/function; Has not been previously published as pathogenic or benign to our knowledge

NM_001271.4(CHD2):c.5072C>T (p.Pro1691Leu)

Gene: CHD2 (chromodomain helicase DNA binding protein 2; plus strand). Cytogenetic location: 15q26.1.
Variant type: single nucleotide variant.
Coding change: c.5072C>T on transcript NM_001271.4 (MANE Select); coding-DNA position 5072, C replaced by T.
Protein change: p.Pro1691Leu; replaces proline 1691 with leucine.
Molecular consequence: missense variant.
Genome position (GRCh38, 1-based): chr15:93,020,177, C>T. VCF-style: chr15-93020177-C-T. GRCh37 (hg19) VCF-style: chr15-93563407-C-T.
Other names: c.5072C>T (NM_001271.3); short protein forms P1691L.
Identifiers: ClinVar variation 1058064 (VCV001058064.10), dbSNP rs1227123179, ClinGen allele CA393907831.